The following is an entry in ClinVar:

NM_000379.4(XDH):c.2452T>C (p.Tyr818His)

Gene: XDH (xanthine dehydrogenase; minus strand). Cytogenetic location: 2p23.1.
Variant type: single nucleotide variant.
Coding change: c.2452T>C on transcript NM_000379.4 (MANE Select); coding-DNA position 2452, T replaced by C.
Protein change: p.Tyr818His; replaces tyrosine 818 with histidine.
Molecular consequence: missense variant.
Genome position (GRCh38, 1-based): chr2:31,365,980, A>G on the plus strand (T>C on the coding strand, the complement: XDH is on the minus strand). VCF-style: chr2-31365980-A-G. GRCh37 (hg19) VCF-style: chr2-31588846-A-G.
Other names: short protein forms Y818H.
Identifiers: ClinVar variation 895586 (VCV000895586.11), dbSNP rs139272198, ClinGen allele CA1598830.

ClinVar aggregate classification (germline): Conflicting classifications of pathogenicity. Review status: criteria provided, conflicting classifications (1 of 4 stars). 4 submissions from 4 submitters: Uncertain significance (3); Likely benign (1). Last evaluated 2024-03-22.

Conditions:
Inborn genetic diseases. Identifiers: MedGen C0950123, MeSH D030342.
Hereditary xanthinuria type 1 (XAN1). Identifiers: Orphanet 3467, Orphanet 93601, MedGen C0268118, MONDO:0010209, OMIM 278300.
Xanthinuria type II. Also called: Xanthine dehydrogenase and aldehyde oxidase combined deficiency of; XDH and AOX dual deficiency. Identifiers: Orphanet 3467, Orphanet 93602, MedGen C1863688, MONDO:0011346, OMIM 603592.

Allele frequency attached by ClinVar (database versions not stated): ExAC 0.00024; gnomAD exomes 0.00031 and 0.00041; gnomAD 0.00039 and 0.00041; TOPMed 0.00041; ESP Exome Variant Server 0.00054.
gnomAD v4.1: 656 of 1,614,032 alleles (0.041%); highest among the groups gnomAD compares: Admixed American, 0.085%; 1 homozygote.

Submissions (4):

Fulgent Genetics
Classification: Uncertain significance for Hereditary xanthinuria type 1. Last evaluated: 2024-03-22. Review status: criteria provided, single submitter. Criteria: ACMG Guidelines, 2015. Collection method: clinical testing. Allele origin: germline.

Labcorp Genetics (formerly Invitae), Labcorp
Classification: Uncertain significance for Xanthinuria type II. Last evaluated: 2024-01-22. Review status: criteria provided, single submitter. Criteria: Invitae Variant Classification Sherloc (09022015). Collection method: clinical testing. Allele origin: germline.
Comment: This sequence change replaces tyrosine, which is neutral and polar, with histidine, which is basic and polar, at codon 818 of the XDH protein (p.Tyr818His). This variant is present in population databases (rs139272198, gnomAD 0.06%). This variant has not been reported in the literature in individuals affected with XDH-related conditions. ClinVar contains an entry for this variant (Variation ID: 895586). Algorithms developed to predict the effect of missense changes on protein structure and function output the following: SIFT: "Not Available"; PolyPhen-2: "Benign"; Align-GVGD: "Not Available". The histidine amino acid residue is found in multiple mammalian species, which suggests that this missense change does not adversely affect protein function. In summary, the available evidence is currently insufficient to determine the role of this variant in disease. Therefore, it has been classified as a Variant of Uncertain Significance.

Ambry Genetics
Classification: Likely benign for Inborn genetic diseases. Last evaluated: 2021-12-17. Review status: criteria provided, single submitter. Criteria: Ambry Variant Classification Scheme 2023. Collection method: clinical testing. Allele origin: germline.

Illumina Laboratory Services, Illumina
Classification: Uncertain significance for Hereditary xanthinuria type 1. Last evaluated: 2018-01-17. Review status: criteria provided, single submitter. Criteria: ICSL Variant Classification Criteria 13 December 2019. Collection method: clinical testing. Allele origin: germline.